The following is an entry in ClinVar:

ClinVar aggregate classification (germline): Uncertain significance (1 of 4 stars; one submission).

Conditions:
Osteogenesis imperfecta type 7 (OI7). Also called: OSTEOGENESIS IMPERFECTA, TYPE IIB; OI type 7; OI type VII; Osteogenesis imperfecta type 2B; OI type 2B; Osteogenesis imperfecta, perinatal lethal autosomal recessive. Identifiers: MedGen C1853162, MONDO:0012536, OMIM 610682.

Allele frequency attached by ClinVar (database versions not stated): gnomAD exomes below 0.00001; ExAC 0.00006.

Submission:

Labcorp Genetics (formerly Invitae), Labcorp
Classification: Uncertain significance for Osteogenesis imperfecta type 7. Last evaluated: 2022-06-11. Review status: criteria provided, single submitter. Criteria: Invitae Variant Classification Sherloc (09022015). Collection method: clinical testing. Allele origin: germline.
Comment: This sequence change replaces arginine, which is basic and polar, with cysteine, which is neutral and slightly polar, at codon 114 of the CRTAP protein (p.Arg114Cys). The frequency data for this variant in the population databases is considered unreliable, as metrics indicate poor data quality at this position in the gnomAD database. This variant has not been reported in the literature in individuals affected with CRTAP-related conditions. Algorithms developed to predict the effect of missense changes on protein structure and function are either unavailable or do not agree on the potential impact of this missense change (SIFT: "Deleterious"; PolyPhen-2: "Possibly Damaging"; Align-GVGD: "Class C0"). In summary, the available evidence is currently insufficient to determine the role of this variant in disease. Therefore, it has been classified as a Variant of Uncertain Significance.

NM_006371.5(CRTAP):c.340C>T (p.Arg114Cys)

Gene: CRTAP (cartilage associated protein; plus strand). Cytogenetic location: 3p22.3.
Variant type: single nucleotide variant.
Coding change: c.340C>T on transcript NM_006371.5 (MANE Select); coding-DNA position 340, C replaced by T.
Protein change: p.Arg114Cys; replaces arginine 114 with cysteine.
Molecular consequence: missense variant.
Genome position (GRCh38, 1-based): chr3:33,114,417, C>T. VCF-style: chr3-33114417-C-T. GRCh37 (hg19) VCF-style: chr3-33155909-C-T.
Other names: c.340C>T, p.Arg114Cys (NM_001393363.1, NM_001393364.1, NM_001393365.1); short protein forms R114C.
Identifiers: ClinVar variation 2179966 (VCV002179966.4), dbSNP rs776867353, ClinGen allele CA2300248.